The following is an entry in ClinVar:

NM_001080467.3(MYO5B):c.4487C>G (p.Thr1496Arg)

Genes: MYO5B (myosin VB; minus strand), SNHG22 (small nucleolar RNA host gene 22; plus strand). Cytogenetic location: 18q21.1.
Variant type: single nucleotide variant.
Coding change: c.4487C>G on transcript NM_001080467.3 (MANE Select); coding-DNA position 4487, C replaced by G.
Protein change: p.Thr1496Arg; replaces threonine 1496 with arginine.
Molecular consequence: missense variant.
Genome position (GRCh38, 1-based): chr18:49,843,365, G>C on the plus strand (C>G on the coding strand, the complement: MYO5B is on the minus strand). VCF-style: chr18-49843365-G-C. GRCh37 (hg19) VCF-style: chr18-47369735-G-C.
Other names: short protein forms T1496R.
Identifiers: ClinVar variation 1714662 (VCV001714662.4), dbSNP rs2511238415, ClinGen allele CA402425468.

ClinVar aggregate classification (germline): Uncertain significance (1 of 4 stars; one submission).

gnomAD v4.1: 1 of 1,614,200 alleles (0.000062%); highest among the groups gnomAD compares: Non-Finnish European, 0.000085%; no homozygotes.

Submission:

Labcorp Genetics (formerly Invitae), Labcorp
Classification: Uncertain significance. Last evaluated: 2023-11-28. Review status: criteria provided, single submitter. Criteria: Invitae Variant Classification Sherloc (09022015). Collection method: clinical testing. Allele origin: germline.
Comment: This sequence change replaces threonine, which is neutral and polar, with arginine, which is basic and polar, at codon 1496 of the MYO5B protein (p.Thr1496Arg). This variant is not present in population databases (gnomAD no frequency). This variant has not been reported in the literature in individuals affected with MYO5B-related conditions. ClinVar contains an entry for this variant (Variation ID: 1714662). Advanced modeling of protein sequence and biophysical properties (such as structural, functional, and spatial information, amino acid conservation, physicochemical variation, residue mobility, and thermodynamic stability) performed at Invitae indicates that this missense variant is not expected to disrupt MYO5B protein function with a negative predictive value of 80%. In summary, the available evidence is currently insufficient to determine the role of this variant in disease. Therefore, it has been classified as a Variant of Uncertain Significance.